The following is an entry in ClinVar:

NM_004260.4(RECQL4):c.850C>A (p.Pro284Thr)

Gene: RECQL4 (RecQ like helicase 4; minus strand). Cytogenetic location: 8q24.3.
Variant type: single nucleotide variant.
Coding change: c.850C>A on transcript NM_004260.4 (MANE Select); coding-DNA position 850, C replaced by A.
Protein change: p.Pro284Thr; replaces proline 284 with threonine.
Molecular consequence: missense variant. On other transcripts: 5 prime UTR variant (17), non-coding transcript variant (3).
Genome position (GRCh38, 1-based): chr8:144,516,269, G>T on the plus strand (C>A on the coding strand, the complement: RECQL4 is on the minus strand). VCF-style: chr8-144516269-G-T. GRCh37 (hg19) VCF-style: chr8-145741653-G-T.
Other names: c.850C>A, p.Pro284Thr (NM_001413017.1, NM_001413018.1, NM_001413019.1 and 4 more transcripts); c.-222C>A (NM_001413021.1, NM_001413022.1, NM_001413023.1 and 7 more transcripts); c.721C>A, p.Pro241Thr (NM_001413025.1); c.-284C>A (NM_001413027.1, NM_001413030.1, NM_001413031.1 and 2 more transcripts); c.499C>A, p.Pro167Thr (NM_001413029.1); c.-126C>A (NM_001413034.1); c.-491C>A (NM_001413043.1); short protein forms P284T, P167T, P241T.
Identifiers: ClinVar variation 3787953 (VCV003787953.1).
Genomic context (GRCh38, chr8:144,516,269, plus strand): 5'-GTACAGGTTCCCCTGGAGGGTCTTCCTCAACTGCTACAGCCCCAGCCCCCTCCGATGGGG[G>T]TCCAGCTTGGCTGCTCTCCTGCTGGACCTGTGCGGGGCTCTCCCAGGGCTCCTCGTTCCA-3'
Protein context (NP_004251.4, residues 274-294): QVQQESSQAG[Pro284Thr]PSEGAGAVAV

ClinVar aggregate classification (germline): Uncertain significance (1 of 4 stars; one submission).

Conditions:
Inborn genetic diseases. Identifiers: MedGen C0950123, MeSH D030342.

gnomAD v4.1: 1 of 1,612,016 alleles (0.000062%); highest among the groups gnomAD compares: Non-Finnish European, 0.000085%; no homozygotes.

Submission:

Ambry Genetics
Classification: Uncertain significance for Inborn genetic diseases. Last evaluated: 2024-12-20. Review status: criteria provided, single submitter. Criteria: Ambry Variant Classification Scheme 2023. Collection method: clinical testing. Allele origin: germline.
Comment: The p.P284T variant (also known as c.850C>A), located in coding exon 5 of the RECQL4 gene, results from a C to A substitution at nucleotide position 850. The proline at codon 284 is replaced by threonine, an amino acid with highly similar properties. This amino acid position is conserved. In addition, this alteration is predicted to be tolerated by in silico analysis. Based on the available evidence, the clinical significance of this variant remains unclear.